The following is an entry in ClinVar:

NM_003664.5(AP3B1):c.236T>C (p.Leu79Pro)

Gene: AP3B1 (adaptor related protein complex 3 subunit beta 1; minus strand). Cytogenetic location: 5q14.1.
Variant type: single nucleotide variant.
Coding change: c.236T>C on transcript NM_003664.5 (MANE Select); coding-DNA position 236, T replaced by C.
Protein change: p.Leu79Pro; replaces leucine 79 with proline.
Molecular consequence: missense variant.
Genome position (GRCh38, 1-based): chr5:78,240,905, A>G on the plus strand (T>C on the coding strand, the complement: AP3B1 is on the minus strand). VCF-style: chr5-78240905-A-G. GRCh37 (hg19) VCF-style: chr5-77536729-A-G.
Other names: c.89T>C, p.Leu30Pro (NM_001271769.2); short protein forms L30P, L79P.
Identifiers: ClinVar variation 962940 (VCV000962940.1), dbSNP rs1747105618, ClinGen allele CA360333735.

ClinVar aggregate classification (germline): Uncertain significance (1 of 4 stars; one submission).

Conditions:
Hermansky-Pudlak syndrome 2 (HPS2). Also called: Platelet defects and oculocutaneous albinism. Identifiers: Orphanet 183678, Orphanet 79430, MedGen C1842362, MONDO:0011997, OMIM 608233.

Submission:

Labcorp Genetics (formerly Invitae), Labcorp
Classification: Uncertain significance for Hermansky-Pudlak syndrome 2. Last evaluated: 2019-11-16. Review status: criteria provided, single submitter. Criteria: Invitae Variant Classification Sherloc (09022015). Collection method: clinical testing. Allele origin: germline.
Comment: This sequence change replaces leucine with proline at codon 79 of the AP3B1 protein (p.Leu79Pro). The leucine residue is moderately conserved and there is a moderate physicochemical difference between leucine and proline. This variant is not present in population databases (ExAC no frequency). This variant has not been reported in the literature in individuals with AP3B1-related conditions. Algorithms developed to predict the effect of missense changes on protein structure and function are either unavailable or do not agree on the potential impact of this missense change (SIFT: "Deleterious"; PolyPhen-2: "Probably Damaging"; Align-GVGD: "Class C0"). In summary, the available evidence is currently insufficient to determine the role of this variant in disease. Therefore, it has been classified as a Variant of Uncertain Significance.